The following is an entry in ClinVar:

ClinVar aggregate classification (germline): Pathogenic. Review status: criteria provided, multiple submitters, no conflicts (2 of 4 stars). 2 submissions from 2 submitters: Pathogenic (2). Last evaluated 2023-09-20.

Conditions:
Hereditary cancer-predisposing syndrome. Also called: Hereditary Cancer Syndrome; Hereditary neoplastic syndrome; Neoplastic Syndromes, Hereditary; Tumor predisposition. Identifiers: Orphanet 140162, MedGen C0027672, MeSH D009386, MONDO:0015356.
Hereditary breast ovarian cancer syndrome. Also called: Hereditary breast and ovarian cancer syndrome (HBOC); Hereditary breast and ovarian cancer syndrome; Breast and ovarian cancer; Hereditary breast and/or ovarian cancer syndrome; Hereditary breast and ovarian cancer; BRCA1- and BRCA2-Associated Hereditary Breast and Ovarian Cancer. Identifiers: Orphanet 145, MedGen C0677776, MeSH D061325, MONDO:0003582. Disease mechanism: loss of function.

Submissions (2):

Labcorp Genetics (formerly Invitae), Labcorp
Classification: Pathogenic for Hereditary breast ovarian cancer syndrome. Last evaluated: 2023-09-20. Review status: criteria provided, single submitter. Criteria: Invitae Variant Classification Sherloc (09022015). Collection method: clinical testing. Allele origin: germline.
Comment: This sequence change creates a premature translational stop signal (p.Gln1396Serfs*2) in the BRCA2 gene. It is expected to result in an absent or disrupted protein product. Loss-of-function variants in BRCA2 are known to be pathogenic (PMID: 20104584). This variant is not present in population databases (gnomAD no frequency). This variant has not been reported in the literature in individuals affected with BRCA2-related conditions. ClinVar contains an entry for this variant (Variation ID: 1738525). For these reasons, this variant has been classified as Pathogenic.

Ambry Genetics
Classification: Pathogenic for Hereditary cancer-predisposing syndrome. Last evaluated: 2021-03-26. Review status: criteria provided, single submitter. Criteria: Ambry Variant Classification Scheme 2023. Collection method: clinical testing. Allele origin: germline.
Comment: The c.4185_4221del37 pathogenic mutation, located in coding exon 10 of the BRCA2 gene, results from a deletion of 37 nucleotides at nucleotide positions 4185 to 4221, causing a translational frameshift with a predicted alternate stop codon (p.Q1396Sfs*2). This alteration is expected to result in loss of function by premature protein truncation or nonsense-mediated mRNA decay. As such, this alteration is interpreted as a disease-causing mutation.

Literature cited by the submitters: PubMed 20104584 (cited by Labcorp Genetics (formerly Invitae), Labcorp).

NM_000059.4(BRCA2):c.4185_4221del (p.Gln1396fs)

Gene: BRCA2 (BRCA2 DNA repair associated; plus strand). Cytogenetic location: 13q13.1.
Variant type: Deletion.
Coding change: c.4185_4221del on transcript NM_000059.4 (MANE Select); coding-DNA positions 4185 to 4221, 37 bases deleted.
Protein change: p.Gln1396fs; shifts the reading frame from glutamine 1396.
Molecular consequence: frameshift variant.
Genome position (GRCh38, 1-based): chr13:32,338,540-32,338,576, 37 bases deleted. GRCh37 (hg19): chr13:32,912,677-32,912,713.
Other names: c.4185_4221del37, p.Gln1396Serfs (NM_001406719.1, NM_001406720.1); short protein forms Q1396fs.
Identifiers: ClinVar variation 1738525 (VCV001738525.5), dbSNP rs2548527827, ClinGen allele CA2580087257.